The following is an entry in ClinVar:

NM_001267550.2(TTN):c.67058-1G>C

Genes: TTN (titin; minus strand), TTN-AS1 (TTN antisense RNA 1; plus strand). Cytogenetic location: 2q31.2.
Variant type: single nucleotide variant.
Coding change: c.67058-1G>C on transcript NM_001267550.2 (MANE Select); the canonical splice acceptor site of the intron before coding-DNA position 67058, G replaced by C.
Molecular consequence: splice acceptor variant.
Genome position (GRCh38, 1-based): chr2:178,580,230, C>G on the plus strand (G>C on the coding strand, the complement: TTN is on the minus strand). VCF-style: chr2-178580230-C-G. GRCh37 (hg19) VCF-style: chr2-179444957-C-G.
Other names: c.39863-1G>C (NM_003319.4); c.40439-1G>C (NM_133437.4); c.40238-1G>C (NM_133432.3); c.59354-1G>C (NM_133378.4); c.62135-1G>C (NM_001256850.1).
Identifiers: ClinVar variation 202519 (VCV000202519.5), dbSNP rs756715989, ClinGen allele CA309494.

ClinVar aggregate classification (germline): Conflicting classifications of pathogenicity. Review status: criteria provided, conflicting classifications (1 of 4 stars). 2 submissions from 2 submitters: Pathogenic (1); Uncertain significance (1). Last evaluated 2023-12-26.

Conditions:
Cardiovascular phenotype. Identifiers: MedGen CN230736.

Submissions (2):

Ambry Genetics
Classification: Uncertain significance for Cardiovascular phenotype. Last evaluated: 2023-12-26. Review status: criteria provided, single submitter. Criteria: Ambry Variant Classification Scheme 2023. Collection method: clinical testing. Allele origin: germline.
Comment: The c.39863-1G>C intronic variant results from a G to C substitution one nucleotide upstream from coding exon 145 of the TTN gene. Exon 146 is located in the A-band region of the N2-B isoform of the titin protein and is constitutively expressed in TTN transcripts (percent spliced in or PSI 100%). This nucleotide position is highly conserved in available vertebrate species. In silico splice site analysis predicts that this alteration will weaken the native splice acceptor site and may result in the creation or strengthening of a novel splice acceptor site. This alteration disrupts the canonical splice site and is expected to cause aberrant splicing. However, although direct evidence is unavailable, this alteration is predicted to result in an in-frame transcript that is not expected to trigger nonsense-mediated mRNA decay. The exact functional effect of the predicted splice impact is unknown. Since supporting evidence is limited at this time, the clinical significance of this alteration remains unclear.

GeneDx
Classification: Pathogenic. Last evaluated: 2014-10-16. Review status: criteria provided, single submitter. Criteria: GeneDx Variant Classification (06012015). Collection method: clinical testing. Allele origin: germline. Affected: yes.
Comment: c.62135-1 G>C: IVS267-1 G>C in intron 267 of the TTN gene (NM_001256850.1) Truncating mutations in the TTN gene are expected to account for approximately 25% of familial and 18% of sporadic idiopathic DCM (Herman D et al., 2012). However, truncating variants in the TTN gene have been reported in approximately 3% of reported control alleles (Herman D et al., 2012). TTN mutations may also be associated with congenital cardiac and skeletal myopathies, hereditary myopathy with early respiratory failure, tibial muscular dystrophy, and limb-girdle muscular dystrophy (Lange S et al., 2005; Hackman P et al., 2002; Carmignac V et al., 2007; Hackman P et al., 2008). Although the c.62135-1 G>C mutation has not been reported as a disease-causing mutation or as a benign polymorphism to our knowledge, this mutation destroys the canonical splice acceptor site in intron 267 and is predicted to cause abnormal gene splicing. The mutation is predicted to lead to either an abnormal message that is subject to nonsense-mediated mRNA decay, or to an abnormal protein product if the message is used for protein translation. Other truncating TTN variants have been reported in approximately 3% of control alleles (Herman D et al., 2012). However, c.62135-1 G>C is located in the A-band region of titin, where the majority of truncating mutations associated with DCM have been reported (Herman D et al., 2012). In summary, c.62135-1 G>C in the TTN gene is interpreted as a disease-causing mutation. The variant is found in DCM-CRDM panel(s).